The following is an entry in ClinVar:

ClinVar aggregate classification (germline): Uncertain significance. Review status: criteria provided, single submitter (1 of 4 stars). 2 submissions from 2 submitters: Uncertain significance (1). 1 of the submissions does not count toward it. Last evaluated 2024-04-22.

Conditions:
Bloom syndrome (BLM). Also called: Bloom-Torre-Machacek syndrome. Identifiers: Orphanet 125, MedGen C0005859, MONDO:0008876, OMIM 210900.

Submissions (2):

Labcorp Genetics (formerly Invitae), Labcorp
Classification: Uncertain significance for Bloom syndrome. Last evaluated: 2024-04-22. Review status: criteria provided, single submitter. Criteria: Invitae Variant Classification Sherloc (09022015). Collection method: clinical testing. Allele origin: germline.
Comment: This sequence change replaces lysine, which is basic and polar, with glutamic acid, which is acidic and polar, at codon 769 of the BLM protein (p.Lys769Glu). This variant is not present in population databases (gnomAD no frequency). This variant has not been reported in the literature in individuals affected with BLM-related conditions. An algorithm developed to predict the effect of missense changes on protein structure and function (PolyPhen-2) suggests that this variant is likely to be disruptive. In summary, the available evidence is currently insufficient to determine the role of this variant in disease. Therefore, it has been classified as a Variant of Uncertain Significance.

Natera, Inc.
Classification: Uncertain significance for Bloom syndrome. Last evaluated: 2025-01-14. Review status: no assertion criteria provided. Collection method: clinical testing. Allele origin: germline. Not counted in ClinVar's aggregate classification.

NM_000057.4(BLM):c.2305A>G (p.Lys769Glu)

Gene: BLM (BLM RecQ like helicase; plus strand). Cytogenetic location: 15q26.1.
Variant type: single nucleotide variant.
Coding change: c.2305A>G on transcript NM_000057.4 (MANE Select); coding-DNA position 2305, A replaced by G.
Protein change: p.Lys769Glu; replaces lysine 769 with glutamic acid.
Molecular consequence: missense variant.
Genome position (GRCh38, 1-based): chr15:90,767,021, A>G. VCF-style: chr15-90767021-A-G. GRCh37 (hg19) VCF-style: chr15-91310251-A-G.
Other names: c.2305A>G, p.Lys769Glu (NM_001287246.2, NM_001287247.2); c.1180A>G, p.Lys394Glu (NM_001287248.2); c.2305A>G (NM_000057.3); short protein forms K394E, K769E.
Identifiers: ClinVar variation 3650516 (VCV003650516.3).